The following is an entry in ClinVar:

NM_000018.4(ACADVL):c.1434+1G>C

Gene: ACADVL (acyl-CoA dehydrogenase very long chain; plus strand). Cytogenetic location: 17p13.1.
Variant type: single nucleotide variant.
Coding change: c.1434+1G>C on transcript NM_000018.4 (MANE Select); the canonical splice donor site of the intron after coding-DNA position 1434, G replaced by C.
Molecular consequence: splice donor variant.
Genome position (GRCh38, 1-based): chr17:7,224,070, G>C. VCF-style: chr17-7224070-G-C. GRCh37 (hg19) VCF-style: chr17-7127389-G-C.
Other names: c.1503+1G>C (NM_001270447.2); c.1206+1G>C (NM_001270448.2); c.1368+1G>C (NM_001033859.3).
Identifiers: ClinVar variation 3622063 (VCV003622063.2).

ClinVar aggregate classification (germline): Likely pathogenic (1 of 4 stars; one submission).

Conditions:
Very long chain acyl-CoA dehydrogenase deficiency (ACADVLD). Also called: VLCAD Deficiency; Very Long-Chain Acyl-Coenzyme A Dehydrogenase Deficiency. Identifiers: Orphanet 26793, MedGen C3887523, MONDO:0008723, OMIM 201475.

Submission:

Labcorp Genetics (formerly Invitae), Labcorp
Classification: Likely pathogenic for Very long chain acyl-CoA dehydrogenase deficiency. Last evaluated: 2024-09-01. Review status: criteria provided, single submitter. Criteria: Invitae Variant Classification Sherloc (09022015). Collection method: clinical testing. Allele origin: germline.
Comment: This sequence change affects a donor splice site in intron 14 of the ACADVL gene. It is expected to disrupt RNA splicing. Variants that disrupt the donor or acceptor splice site typically lead to a loss of protein function (PMID: 16199547), and loss-of-function variants in ACADVL are known to be pathogenic (PMID: 9973285, 11590124). This variant is not present in population databases (gnomAD no frequency). This variant has not been reported in the literature in individuals affected with ACADVL-related conditions. Algorithms developed to predict the effect of sequence changes on RNA splicing suggest that this variant may disrupt the consensus splice site. In summary, the currently available evidence indicates that the variant is pathogenic, but additional data are needed to prove that conclusively. Therefore, this variant has been classified as Likely Pathogenic.

Literature cited by the submitters: PubMed 16199547; PubMed 9973285; PubMed 11590124.